The following is an entry in ClinVar:

NM_001378477.3(NYX):c.563G>T (p.Arg188Leu)

Gene: NYX (nyctalopin; plus strand). Cytogenetic location: Xp11.4.
Variant type: single nucleotide variant.
Coding change: c.563G>T on transcript NM_001378477.3 (MANE Select); coding-DNA position 563, G replaced by T.
Protein change: p.Arg188Leu; replaces arginine 188 with leucine.
Molecular consequence: missense variant.
Genome position (GRCh38, 1-based): chrX:41,474,031, G>T. VCF-style: chrX-41474031-G-T. GRCh37 (hg19) VCF-style: chrX-41333284-G-T.
Other names: c.563G>T, p.Arg188Leu (NM_022567.3); c.578G>T (NM_022567.2); short protein forms R188L.
Identifiers: ClinVar variation 1378366 (VCV001378366.7), dbSNP rs771468489, ClinGen allele CA10389835.

ClinVar aggregate classification (germline): Uncertain significance. Review status: criteria provided, multiple submitters, no conflicts (2 of 4 stars). 2 submissions from 2 submitters: Uncertain significance (2). Last evaluated 2024-09-26.

Conditions:
Inborn genetic diseases. Identifiers: MedGen C0950123, MeSH D030342.

Allele frequency attached by ClinVar (database versions not stated): gnomAD 0.00001; gnomAD exomes 0.00015.
gnomAD v4.1: 5 of 1,049,171 alleles (0.00048%); highest among the groups gnomAD compares: East Asian, 0.021%; no homozygotes.

Submissions (2):

Ambry Genetics
Classification: Uncertain significance for Inborn genetic diseases. Last evaluated: 2024-09-26. Review status: criteria provided, single submitter. Criteria: Ambry Variant Classification Scheme 2023. Collection method: clinical testing. Allele origin: germline.

Labcorp Genetics (formerly Invitae), Labcorp
Classification: Uncertain significance. Last evaluated: 2021-08-28. Review status: criteria provided, single submitter. Criteria: Invitae Variant Classification Sherloc (09022015). Collection method: clinical testing. Allele origin: germline.
Comment: This sequence change replaces arginine with leucine at codon 193 of the NYX protein (p.Arg193Leu). The arginine residue is highly conserved and there is a moderate physicochemical difference between arginine and leucine. The frequency data for this variant in the population databases is considered unreliable, as metrics indicate poor data quality at this position in the ExAC database. This variant has not been reported in the literature in individuals affected with NYX-related conditions. Algorithms developed to predict the effect of missense changes on protein structure and function (SIFT, PolyPhen-2, Align-GVGD) all suggest that this variant is likely to be disruptive. In summary, the available evidence is currently insufficient to determine the role of this variant in disease. Therefore, it has been classified as a Variant of Uncertain Significance.